The following is an entry in ClinVar:

ClinVar aggregate classification (germline): Uncertain significance (1 of 4 stars; one submission).

Conditions:
Arterial tortuosity syndrome (ATORS). Identifiers: Orphanet 3342, MedGen C1859726, MONDO:0008818, OMIM 208050.

Allele frequency attached by ClinVar (database versions not stated): TOPMed 0.00002.
gnomAD v4.1: 10 of 1,614,182 alleles (0.00062%); highest among the groups gnomAD compares: African/African-American, 0.0053%; no homozygotes.

Submission:

Labcorp Genetics (formerly Invitae), Labcorp
Classification: Uncertain significance for Arterial tortuosity syndrome. Last evaluated: 2022-08-12. Review status: criteria provided, single submitter. Criteria: Invitae Variant Classification Sherloc (09022015). Collection method: clinical testing. Allele origin: germline.
Comment: In summary, the available evidence is currently insufficient to determine the role of this variant in disease. Therefore, it has been classified as a Variant of Uncertain Significance. Advanced modeling of protein sequence and biophysical properties (such as structural, functional, and spatial information, amino acid conservation, physicochemical variation, residue mobility, and thermodynamic stability) performed at Invitae indicates that this missense variant is not expected to disrupt SLC2A10 protein function. ClinVar contains an entry for this variant (Variation ID: 1041850). This variant has not been reported in the literature in individuals affected with SLC2A10-related conditions. This variant is not present in population databases (gnomAD no frequency). This sequence change replaces alanine, which is neutral and non-polar, with valine, which is neutral and non-polar, at codon 187 of the SLC2A10 protein (p.Ala187Val).

NM_030777.4(SLC2A10):c.560C>T (p.Ala187Val)

Gene: SLC2A10 (solute carrier family 2 member 10; plus strand). Cytogenetic location: 20q13.12.
Variant type: single nucleotide variant.
Coding change: c.560C>T on transcript NM_030777.4 (MANE Select); coding-DNA position 560, C replaced by T.
Protein change: p.Ala187Val; replaces alanine 187 with valine.
Molecular consequence: missense variant.
Genome position (GRCh38, 1-based): chr20:46,725,596, C>T. VCF-style: chr20-46725596-C-T. GRCh37 (hg19) VCF-style: chr20-45354235-C-T.
Other names: short protein forms A187V.
Identifiers: ClinVar variation 1041850 (VCV001041850.7), dbSNP rs774586340, ClinGen allele CA409267253.
Genomic context (GRCh38, chr20:46,725,596, plus strand): 5'-TGTTCGGCTGGGCCACTGCACCTGCTGTCCTGCAATCCCTCAGCCTCCTCTTCCTCCCTG[C>T]TGGTACAGATGAGACTGCAACACACAAGGACCTCATCCCACTCCAGGGAGGTGAGGCCCC-3'
Protein context (NP_110404.1, residues 177-197): LQSLSLLFLP[Ala187Val]GTDETATHKD